The following is an entry in ClinVar:

ClinVar aggregate classification (germline): Likely benign. Review status: criteria provided, multiple submitters, no conflicts (2 of 4 stars). 2 submissions from 2 submitters: Likely benign (2). Last evaluated 2025-11-15.

Submissions (2):

Labcorp Genetics (formerly Invitae), Labcorp
Classification: Likely benign. Last evaluated: 2025-11-15. Review status: criteria provided, single submitter. Criteria: Invitae Variant Classification Sherloc (09022015). Collection method: clinical testing. Allele origin: germline.

Women's Health and Genetics/Laboratory Corporation of America, LabCorp
Classification: Likely benign. Last evaluated: 2024-10-26. Review status: criteria provided, single submitter. Criteria: LabCorp Variant Classification Summary - May 2015. Collection method: clinical testing. Allele origin: germline.
Comment: Variant summary: ERBB3 c.2938-3_2938-2delTA is located close to a canonical splice-site and could affect splicing, however, computational tools were not able to predict the impact of the variant on normal splicing (although one predicts the variant weakens the 3' acceptor site). The variant allele was found at a frequency of 0.00019 in 251314 control chromosomes, predominantly at a frequency of 0.0012 within the Latino subpopulation in the gnomAD database (v2.1 dataset). To our knowledge, no occurrence of c.2938-3_2938-2delTA in individuals affected with Lethal congenital contracture syndrome 2 and no experimental evidence demonstrating its impact on protein function have been reported. No submitters have cited clinical-significance assessments for this variant to ClinVar after 2014. Based on the evidence outlined above, the variant was classified as likely benign.

NM_001982.4(ERBB3):c.2938-3_2938-2del

Gene: ERBB3 (erb-b2 receptor tyrosine kinase 3; plus strand). Cytogenetic location: 12q13.2.
Variant type: Microsatellite.
Coding change: c.2938-3_2938-2del on transcript NM_001982.4 (MANE Select); 3 bases into the intron before coding-DNA position 2938 through the canonical splice acceptor site of the intron before coding-DNA position 2938, 2 bases deleted (TA; older notation c.2938-3_2938-2delTA).
Molecular consequence: splice acceptor variant.
Genome position (GRCh38, 1-based): chr12:56,099,835-56,099,836, TA deleted; deleting any 2 consecutive bases within chr12:56,099,832-56,099,836 gives the same sequence; the c. name uses the placement nearest the transcript's 3' end. VCF-style (leftmost placement, unchanged base first): chr12-56099831-GAT-G. GRCh37 (hg19) VCF-style: chr12-56493615-GAT-G.
Identifiers: ClinVar variation 3385070 (VCV003385070.2), dbSNP rs566285257.